The following is an entry in ClinVar:

ClinVar aggregate classification (germline): Uncertain significance (1 of 4 stars; one submission).

Conditions:
Progressive familial heart block type IB (PFHB1B). Identifiers: Orphanet 871, MedGen C1970298, MONDO:0011474, OMIM 604559.

Submission:

Labcorp Genetics (formerly Invitae), Labcorp
Classification: Uncertain significance for Progressive familial heart block type IB. Last evaluated: 2025-10-13. Review status: criteria provided, single submitter. Criteria: Invitae Variant Classification Sherloc (09022015). Collection method: clinical testing. Allele origin: germline.
Comment: This sequence change creates a premature translational stop signal (p.Ser995*) in the TRPM4 gene. It is expected to result in an absent or disrupted protein product. However, the current clinical and genetic evidence is not sufficient to establish whether loss-of-function variants in TRPM4 cause disease. This variant is not present in population databases (gnomAD no frequency). This variant has not been reported in the literature in individuals affected with TRPM4-related conditions. Experimental studies and prediction algorithms are not available or were not evaluated, and the functional significance of this variant is currently unknown. In summary, the available evidence is currently insufficient to determine the role of this variant in disease. Therefore, it has been classified as a Variant of Uncertain Significance.

NM_017636.4(TRPM4):c.2984C>A (p.Ser995Ter)

Gene: TRPM4 (transient receptor potential cation channel subfamily M member 4; plus strand). Cytogenetic location: 19q13.33.
Variant type: single nucleotide variant.
Coding change: c.2984C>A on transcript NM_017636.4 (MANE Select); coding-DNA position 2984, C replaced by A.
Protein change: p.Ser995Ter; replaces serine 995 with a stop codon.
Molecular consequence: nonsense.
Genome position (GRCh38, 1-based): chr19:49,201,994, C>A. VCF-style: chr19-49201994-C-A. GRCh37 (hg19) VCF-style: chr19-49705251-C-A.
Other names: c.2549C>A, p.Ser850Ter (NM_001195227.2); c.2639C>A, p.Ser880Ter (NM_001321281.2); c.1376C>A, p.Ser459Ter (NM_001321282.2); c.2462C>A, p.Ser821Ter (NM_001321283.2); c.1922C>A, p.Ser641Ter (NM_001321285.2); short protein forms S459*, S821*, S850*, S995*, S641*, S880*.
Identifiers: ClinVar variation 4729136 (VCV004729136.1).